The following is an entry in ClinVar:

ClinVar aggregate classification (germline): Uncertain significance (1 of 4 stars; one submission).

Submission:

Laboratory for Molecular Medicine, Mass General Brigham Personalized Medicine
Classification: Uncertain significance. Last evaluated: 2012-09-17. Review status: criteria provided, single submitter. Criteria: LMM Criteria. Collection method: clinical testing. Allele origin: germline. Observed: 1 variant allele.
Comment: The 7699+5delG variant in FBN1 has not been reported in the literature nor previ ously identified by our laboratory. This variant is located in the 5' splice reg ion. Computational tools suggest an impact to splicing. However, this informatio n is not predictive enough to determine pathogenicity. In summary, the clinical significance of this variant cannot be determined at this time.

NM_000138.5(FBN1):c.7699+5del

Gene: FBN1 (fibrillin 1; minus strand). Cytogenetic location: 15q21.1.
Variant type: Deletion.
Coding change: c.7699+5del on transcript NM_000138.5 (MANE Select); 5 bases into the intron after coding-DNA position 7699, one base deleted (G; older notation c.7699+5delG).
Molecular consequence: intron variant.
Genome position (GRCh38, 1-based): chr15:48,421,553, C deleted on the plus strand (G on the coding strand, the reverse complement: FBN1 is on the minus strand); the first of 3 consecutive C bases (chr15:48,421,553-48,421,555); deleting any one gives the same sequence. VCF-style (leftmost placement, unchanged base first): chr15-48421552-AC-A. GRCh37 (hg19) VCF-style: chr15-48713749-AC-A.
Other names: c.7699+5delG (NM_000138.4).
Identifiers: ClinVar variation 42431 (VCV000042431.4), dbSNP rs397515856, ClinGen allele CA017338.